The following is an entry in ClinVar:

NM_000166.6(GJB1):c.101T>C (p.Met34Thr)

Gene: GJB1 (gap junction protein beta 1; plus strand). Cytogenetic location: Xq13.1.
Variant type: single nucleotide variant.
Coding change: c.101T>C on transcript NM_000166.6 (MANE Select); coding-DNA position 101, T replaced by C.
Protein change: p.Met34Thr; replaces methionine 34 with threonine.
Molecular consequence: missense variant.
Genome position (GRCh38, 1-based): chrX:71,223,808, T>C. VCF-style: chrX-71223808-T-C. GRCh37 (hg19) VCF-style: chrX-70443658-T-C.
Other names: c.101T>C, p.Met34Thr (NM_001097642.3); short protein forms M34T.
Identifiers: ClinVar variation 406224 (VCV000406224.12), dbSNP rs1060500998, ClinGen allele CA16616534.

ClinVar aggregate classification (germline): Pathogenic/Likely pathogenic. Review status: criteria provided, multiple submitters, no conflicts (2 of 4 stars). 4 submissions from 4 submitters: Pathogenic (2); Likely pathogenic (1). 1 of the submissions does not count toward it. Last evaluated 2023-07-17.

Conditions:
GJB1-related disorder. Also called: GJB1-related disorders; GJB1-related condition.
Charcot-Marie-Tooth disease. Also called: Charcot-Marie-Tooth Hereditary Neuropathy; Charcot-Marie-Tooth Neuropathy. Identifiers: Orphanet 166, MedGen C0007959, MONDO:0015626.
Charcot-Marie-Tooth Neuropathy X. Identifiers: MedGen CN118851.

Submissions (4):

Blueprint Genetics
Classification: Likely pathogenic for GJB1-related disorders. Last evaluated: 2023-07-17. Review status: criteria provided, single submitter. Criteria: ACMG Guidelines, 2015. Collection method: clinical testing. Allele origin: germline. Affected: yes. Observed: 1 variant allele.

PreventionGenetics, part of Exact Sciences
Classification: Pathogenic for GJB1-related condition. Last evaluated: 2023-05-17. Review status: criteria provided, single submitter. Criteria: ACMG Guidelines, 2015. Collection method: clinical testing. Allele origin: germline.
Comment: The GJB1 c.101T>C variant is predicted to result in the amino acid substitution p.Met34Thr. This variant has been reported in individuals with X-linked Charcot-Marie-Tooth disease (Reported as Met34->Thr in Tan et al 1996. PubMed ID: 8829637; Dubourg. 2001. PubMed ID: 11571214; Supp. Table 2 Volodarsky M et al 2020. PubMed ID: 32376792). Functional studies indicate this variant alters protein function (Oh S et al 1997. PubMed ID: 9354338). This variant has not been reported in a large population database, indicating this variant is rare. This variant is interpreted as pathogenic.

Labcorp Genetics (formerly Invitae), Labcorp
Classification: Pathogenic for Charcot-Marie-Tooth Neuropathy X. Last evaluated: 2016-08-16. Review status: criteria provided, single submitter. Criteria: Invitae Variant Classification Sherloc (09022015). Collection method: clinical testing. Allele origin: germline.
Comment: For these reasons, this variant has been classified as Pathogenic. Experimental studies in Xenopus oocytes have shown that this missense change affects the electrophysiological properties of the channel encoded by GJB1, known as Connexin 32 in the literature (PMID: 9354338). Additional experiments in HeLa cells found that this missense change alters the sub-cellular localization of Connexin 32 (PMID: 12460545). This variant has been reported in multiple individuals affected with CMTX (PMID: 9401007. 11571214) and has been observed to co-segregate with disease in an affected family (PMID: 8829637). This variant is not present in population databases (ExAC no frequency). This sequence change replaces methionine with threonine at codon 34 of the GJB1 protein (p.Met34Thr). The methionine residue is moderately conserved and there is a moderate physicochemical difference between methionine and threonine.

Inherited Neuropathy Consortium
Classification: Uncertain significance for Charcot-Marie-Tooth disease. Review status: no assertion criteria provided. Collection method: literature only. Allele origin: germline. Affected: yes. Not counted in ClinVar's aggregate classification.

Literature cited by the submitters: PubMed 9354338 (cited by Labcorp Genetics (formerly Invitae), Labcorp); PubMed 12460545 (cited by Labcorp Genetics (formerly Invitae), Labcorp); PubMed 9401007 (cited by Labcorp Genetics (formerly Invitae), Labcorp); PubMed 11571214 (cited by Labcorp Genetics (formerly Invitae), Labcorp); PubMed 8829637 (cited by Labcorp Genetics (formerly Invitae), Labcorp); PubMed 9818870 (cited by Inherited Neuropathy Consortium).